The following is an entry in ClinVar:

NM_001267550.2(TTN):c.100641dup (p.Phe33548fs)

Genes: TTN (titin; minus strand), TTN-AS1 (TTN antisense RNA 1; plus strand). Cytogenetic location: 2q31.2.
Variant type: Duplication.
Coding change: c.100641dup on transcript NM_001267550.2 (MANE Select); coding-DNA position 100641, one base duplicated (A; older notation c.100641dupA).
Protein change: p.Phe33548fs; shifts the reading frame from phenylalanine 33548.
Molecular consequence: frameshift variant.
Genome position (GRCh38, 1-based): chr2:178,536,106, T duplicated on the plus strand (A on the coding strand, the reverse complement: TTN is on the minus strand); the first of 2 consecutive T bases (chr2:178,536,106-178,536,107); duplicating either gives the same sequence. VCF-style (leftmost placement, unchanged base first): chr2-178536105-A-AT. GRCh37 (hg19) VCF-style: chr2-179400832-A-AT.
Other names: c.95718dup, p.Phe31907fs (NM_001256850.1); c.73446dup, p.Phe24483fs (NM_003319.4); c.92937dup, p.Phe30980fs (NM_133378.4); c.73821dup, p.Phe24608fs (NM_133432.3); c.74022dup, p.Phe24675fs (NM_133437.4); c.73446dupA (NM_003319.4); short protein forms F24608fs, F30980fs, F33548fs, F31907fs, F24483fs, F24675fs.
Identifiers: ClinVar variation 1486877 (VCV001486877.9), dbSNP rs2154137207, ClinGen allele CA2573134068.

ClinVar aggregate classification (germline): Likely pathogenic. Review status: criteria provided, multiple submitters, no conflicts (2 of 4 stars). 2 submissions from 2 submitters: Likely pathogenic (2). Last evaluated 2026-06-30.

Conditions:
Cardiovascular phenotype. Identifiers: MedGen CN230736.
Dilated cardiomyopathy 1G (CMD1G). Identifiers: Orphanet 154, MedGen C1858763, MONDO:0011400, OMIM 604145.
Autosomal recessive limb-girdle muscular dystrophy type 2J (LGMDR10). Also called: Limb-girdle muscular dystrophy, type 2J; MUSCULAR DYSTROPHY, LIMB-GIRDLE, AUTOSOMAL RECESSIVE 10. Identifiers: Orphanet 140922, MedGen C1837342, MONDO:0012127, OMIM 608807.

Submissions (2):

Ambry Genetics
Classification: Likely pathogenic for Cardiovascular phenotype. Last evaluated: 2026-06-30. Review status: criteria provided, single submitter. Criteria: Ambry Variant Classification Scheme 2023. Collection method: clinical testing. Allele origin: germline.
Comment: The c.73446dupA variant, located in coding exon 184 of the TTN gene, results from a duplication of A at nucleotide position 73446, causing a translational frameshift with a predicted alternate stop codon (p.F24483Ifs*2). This exon is located in the A-band region of the N2-B isoform of the titin protein and is constitutively expressed in TTN transcripts (percent spliced in or PSI 100%). This variant is expected to result in loss of function by premature protein truncation or nonsense-mediated mRNA decay. While truncating variants in TTN are present in 1-3% of the general population, truncating variants in the A-band are the most common cause of dilated cardiomyopathy (Herman DS et al. N. Engl. J. Med., 2012 Feb;366:619-28; Roberts AM et al. Sci Transl Med, 2015 Jan;7:270ra6). TTN truncating variants encoded in constitutive exons (PSI >90%) have been found to be significantly associated with DCM regardless of their position in titin (Schafer S et al. Nat. Genet., 2017 01;49:46-53; Akhtar MM et al. Circ Heart Fail, 2020 Oct;13:e006832; Massier M et al. Clin Genet, 2025 Jan). This variant is considered to be rare based on population cohorts in the Genome Aggregation Database (gnomAD). Based on the majority of available evidence to date, this variant is likely to be pathogenic.

Labcorp Genetics (formerly Invitae), Labcorp
Classification: Likely pathogenic for Dilated cardiomyopathy 1G; Autosomal recessive limb-girdle muscular dystrophy type 2J. Last evaluated: 2022-11-26. Review status: criteria provided, single submitter. Criteria: Invitae Variant Classification Sherloc (09022015). Collection method: clinical testing. Allele origin: germline.
Comment: ClinVar contains an entry for this variant (Variation ID: 1486877). In summary, the currently available evidence indicates that the variant is pathogenic, but additional data are needed to prove that conclusively. Therefore, this variant has been classified as Likely Pathogenic. This variant is located in the A band of TTN (PMID: 25589632). Truncating variants in this region are significantly overrepresented in patients affected with dilated cardiomyopathy (PMID: 25589632). Truncating variants in this region have also been reported in individuals affected with autosomal recessive centronuclear myopathy (PMID: 23975875). This variant has not been reported in the literature in individuals affected with TTN-related conditions. This variant is not present in population databases (gnomAD no frequency). This sequence change creates a premature translational stop signal (p.Phe33548Ilefs*2) in the TTN gene. While this is not anticipated to result in nonsense mediated decay, it is expected to create a truncated TTN protein.

Literature cited by the submitters: PubMed 25589632 (cited by Labcorp Genetics (formerly Invitae), Labcorp); PubMed 23975875 (cited by Labcorp Genetics (formerly Invitae), Labcorp).